The following is an entry in ClinVar:

ClinVar aggregate classification (germline): Pathogenic/Likely pathogenic. Review status: criteria provided, multiple submitters, no conflicts (2 of 4 stars). 13 submissions from 13 submitters: Pathogenic (2); Likely pathogenic (11). Last evaluated 2026-09-10.

Conditions:
Cardiovascular phenotype. Identifiers: MedGen CN230736.
Hyperlipidemia, familial combined, LPL related (FCHL3). Also called: Hyperapobetalipoproteinemia. Identifiers: MedGen C0020474, MONDO:0007759, OMIM 144250, HP:0008158.
Hyperlipoproteinemia, type I. Also called: Hyperlipoproteinemia type 1; Hyperchylomicro-nemia familial; Familial chylomicronemia; Hyperlipemia idiopathic Burger-Grutz type; Lipoprotein Lipase Deficiency; Lipase D deficiency. Identifiers: Orphanet 309015, Orphanet 444490, MedGen C0023817, MONDO:0009387, OMIM 238600. Disease mechanism: loss of function.
LPL-related disorder. Also called: LPL-related condition.

Allele frequency attached by ClinVar (database versions not stated): gnomAD exomes 0.00004 and 0.00017; TOPMed 0.00005; gnomAD 0.00006 and 0.00007; ESP Exome Variant Server 0.00008; ExAC 0.00016.

Submissions (13):

GeneDx
Classification: Likely pathogenic. Last evaluated: 2026-09-10. Review status: criteria provided, single submitter. Criteria: GeneDx Variant Classification Process June 2021. Collection method: clinical testing. Allele origin: germline.
Comment: Published functional studies demonstrate a damaging effect with decreased enzyme activity and reduced secretion of the protein (PMID: 12204001); Identified in the heterozygous state in individuals with hypertriglyceridemia, also described as p.(A71T) due to use of alternate nomenclature (PMID: 12204001, 17476032, 27206937, 30420299, 32041611, 31669931); Reported in the compound heterozygous state in a patient with an abnormal presentation of LPL deficiency (PMID: 34635320); In silico analysis supports that this missense variant has a deleterious effect on protein structure/function; This variant is associated with the following publications: (PMID: 12905705, 27206937, 30420299, 27055971, 17476032, 26079787, 31980526, 34535418, 32041611, 33303402, 31669931, 12655575, 12204001, 36325899, 35130036, 36476373, 34635320, 38025240, 24646025)

Labcorp Genetics (formerly Invitae), Labcorp
Classification: Pathogenic. Last evaluated: 2026-01-21. Review status: criteria provided, single submitter. Criteria: Invitae Variant Classification Sherloc (09022015). Collection method: clinical testing. Allele origin: germline.
Comment: This sequence change replaces alanine, which is neutral and non-polar, with threonine, which is neutral and polar, at codon 98 of the LPL protein (p.Ala98Thr). This variant is present in population databases (rs145657341, gnomAD 0.2%). This missense change has been observed in individual(s) with chylomicronemia (PMID: 24646025, 38025240). In at least one individual the data is consistent with being in trans (on the opposite chromosome) from a pathogenic variant. It has also been observed to segregate with disease in related individuals. This variant is also known as A71T. ClinVar contains an entry for this variant (Variation ID: 1203042). Invitae Evidence Modeling of protein sequence and biophysical properties (such as structural, functional, and spatial information, amino acid conservation, physicochemical variation, residue mobility, and thermodynamic stability) indicates that this missense variant is not expected to disrupt LPL protein function with a negative predictive value of 80%. Experimental studies have shown that this missense change affects LPL function (PMID: 12204001, 12905705). For these reasons, this variant has been classified as Pathogenic.

Natera, Inc.
Classification: Likely pathogenic for Lipoprotein lipase deficiency. Last evaluated: 2025-10-29. Review status: criteria provided, single submitter. Criteria: Natera Variant Classification Schema (03/2026). Collection method: clinical testing. Allele origin: germline.
Comment: The c.292G>A variant in LPL is a missense variant predicted to cause substitution of alanine to threonine at amino acid 98. The frequency of this variant in the general population is greater than expected for disorder. This variant has been observed in one or more individuals affected with the associated recessive disease, as either homozygous or compound heterozygous with a second variant (PMID: 24646025, 30420299, 31669931, 34635320). Additionally, this variant has been observed to segregate in affected family members (PMID: 24646025). Functional studies show that this variant may disrupt protein function (PMID: 12204001, 12655575). Computational prediction algorithms indicate this variant is likely to affect gene or protein function. Given the available evidence, this variant is classified as Likely Pathogenic.

Ambry Genetics
Classification: Likely pathogenic for Cardiovascular phenotype. Last evaluated: 2025-10-20. Review status: criteria provided, single submitter. Criteria: Ambry Variant Classification Scheme 2023. Collection method: clinical testing. Allele origin: germline.
Comment: The p.A98T variant (also known as c.292G>A), located in coding exon 3 of the LPL gene, results from a G to A substitution at nucleotide position 292. The alanine at codon 98 is replaced by threonine, an amino acid with similar properties. This variant was found to be compound heterozygous with LPL p.L279V (c.835C>G) in a mother and daughter with severe hypertriglyceridemia, acute pancreatitis, and reduced plasma LPL activity (Chen TZ et al. Lipids Health Dis, 2014 Mar;13:52), and with LPL p.L279R (c.836T>G) in a different individual with severe hypertriglyceridemia (Jin JL et al. EBioMedicine, 2018 Dec;38:171-177). This variant was also detected in the homozygous state in an individual with severe hypertrigylceridemia (Ariza MJ et al. Clin Chim Acta, 2020 Jan;500:163-171). Additionally, this variant has been detected in several heterozygotes with hypertriglyceridemia with or without acute pancreatitis (Chan LY et al. Hum Mutat, 2002 Sep;20:232-3; Yang T et al. Hum Mutat, 2003 Apr;21:453; Hu Y et al. J Lipid Res, 2007 Aug;48:1681-8; Xie SL et al. PLoS One, 2015 Jun;10:e0129488; Khovidhunkit W et al. J Clin Lipidol Nov;10:505-511.e1). Functional studies indicate that this variant results in a significant reduction in LPL activity in vitro (Chan LY et al. Hum Mutat, 2002 Sep;20:232-3; Yang T et al. Hum Mutat, 2003 Apr;21:453). This amino acid position is highly conserved in available vertebrate species. In addition, this alteration is predicted to be deleterious by in silico analysis. Based on the majority of available evidence to date, this variant is likely to be pathogenic; however, it may represent a hypomorphic allele that results in later onset and a milder disease course.

Blueprint Genetics
Classification: Pathogenic for LPL-related disorders. Last evaluated: 2024-09-30. Review status: criteria provided, single submitter. Criteria: ACMG Guidelines, 2015. Collection method: clinical testing. Allele origin: germline. Affected: yes. Observed: 5 variant alleles.

Genomic Medicine Center of Excellence, King Faisal Specialist Hospital and Research Centre
Classification: Likely pathogenic for Hyperlipoproteinemia, type I. Last evaluated: 2024-09-02. Review status: criteria provided, single submitter. Criteria: ACMG Guidelines, 2015. Collection method: clinical testing. Allele origin: germline.

Cardiovascular Genetics Laboratory, PathWest Laboratory Medicine WA - Fiona Stanley Hospital
Classification: Likely pathogenic for Hyperlipoproteinemia, type I. Last evaluated: 2024-07-24. Review status: criteria provided, single submitter. Criteria: ACMG Guidelines, 2015. Collection method: clinical testing. Allele origin: germline.

Fulgent Genetics
Classification: Likely pathogenic for Hyperlipidemia, familial combined, LPL related; Hyperlipoproteinemia, type I. Last evaluated: 2024-02-19. Review status: criteria provided, single submitter. Criteria: ACMG Guidelines, 2015. Collection method: clinical testing. Allele origin: germline.

Department of Pathology and Laboratory Medicine, Sinai Health System
Classification: Likely pathogenic for Hyperlipidemia, familial combined, LPL related; Hyperlipoproteinemia, type I. Last evaluated: 2023-04-26. Review status: criteria provided, single submitter. Criteria: ACMG Guidelines, 2015. Collection method: research. Allele origin: germline.

PreventionGenetics, part of Exact Sciences
Classification: Likely pathogenic for LPL-related condition. Last evaluated: 2023-04-25. Review status: criteria provided, single submitter. Criteria: ACMG Guidelines, 2015. Collection method: clinical testing. Allele origin: germline.
Comment: The LPL c.292G>A variant is predicted to result in the amino acid substitution p.Ala98Thr. This variant is also described using legacy nomenclature as p.Ala71Thr, has been reported in the heterozygous state in several individuals with hypertriglyceridemia with or without acute pancreatitis (Chan et al. 2002. PubMed ID: 12204001; Yang et al. 2003. PubMed ID: 12905705; Hu et al. 2007. PubMed ID: 17476032; Khovidhunkit et al. 2015. PubMed ID: 27206937). This variant has also been reported in the homozygous or compound heterozygous states in several individuals with hypertriglyceridemia with or without acute pancreatitis (Chen et al. 2014. PubMed ID: 24646025; Xie et al. 2015. PubMed ID: 26079787; Jin et al. 2018. PubMed ID: 30420299. Table S2; Ariza et al. 2019. PubMed ID: 31669931). Functional studies suggest that this variant results in reduced LPL protein activity, however LPL activity appeared normal in several individuals harboring this variant (Chan et al. 2002. PubMed ID: 12204001; Yang et al. 2003. PubMed ID: 12905705; Chen et al. 2014. PubMed ID: 24646025). This variant was reported as uncertain (Rodrigues et al. 2016. PubMed ID: 27055971; Jin et al. 2018. PubMed ID: 30420299. Table S2; Dron et al. 2020. PubMed ID: 32041611. Table S4). However, it was interpreted as likely pathogenic by multiple submitters in ClinVar. Taken together, this variant is interpreted as likely pathogenic.

Revvity Omics, Revvity
Classification: Likely pathogenic. Last evaluated: 2022-11-11. Review status: criteria provided, single submitter. Criteria: ACMG Guidelines, 2015. Collection method: clinical testing. Allele origin: germline.

Women's Health and Genetics/Laboratory Corporation of America, LabCorp
Classification: Likely pathogenic for Hyperlipoproteinemia, type I. Last evaluated: 2022-04-20. Review status: criteria provided, single submitter. Criteria: LabCorp Variant Classification Summary - May 2015. Collection method: clinical testing. Allele origin: germline.
Comment: Variant summary: LPL c.292G>A (p.Ala98Thr) results in a non-conservative amino acid change located in the N-terminal lipase domain (IPR033906) of the encoded protein sequence. Five of five in-silico tools predict a damaging effect of the variant on protein function. The variant allele was found at a frequency of 0.00017 in 251470 control chromosomes, predominantly at a frequency of 0.0015 within the East Asian subpopulation in the gnomAD database. This frequency is not higher than the estimated maximum expected for a pathogenic variant in LPL causing Familial Lipoprotein Lipase Deficiency (0.0034), allowing no conclusion about variant significance. c.292G>A (aka. Ala71Thr) has been reported in the literature in multiple heterozygous individuals affected with hypertriglyceridemia (e.g. Chan_2002, Yang_2003, Hu_2007, Chen_2014, Khovidhunkit_2015, Dron_2020), in addition, it was also found in compound heterozygous state (with another pathogenic variant in trans) in two individuals in a family, who manifested a more severe disease phenotype corresponding to recessive Familial Lipoprotein Lipase Deficiency (Chen_2014). These data indicate that the variant is very likely to be associated with disease. Publications also reported experimental evidence evaluating an impact on protein function, and demonstrated a decreased specific activity, together with reduced secretion for the variant protein (Chan_2002, Yang_2003). Three clinical diagnostic laboratories have submitted clinical-significance assessments for this variant to ClinVar after 2014, and all of them classified the variant as likely pathogenic. Based on the evidence outlined above, the variant was classified as likely pathogenic.

Juno Genomics, Hangzhou Juno Genomics, Inc
Classification: Likely pathogenic for Hyperlipoproteinemia, type I. Review status: criteria provided, single submitter. Criteria: ACMG Guidelines, 2015. Collection method: clinical testing. Allele origin: germline.
Comment: Absent from controls (or at extremely low frequency if recessive) in Genome Aggregation Database.;Multiple lines of computational evidence support a deleterious effect on the gene or gene product.;For recessive disorders, detected in trans with a pathogenic variant.

Literature cited by the submitters: PubMed 24646025 (cited by 4 submitters); PubMed 38025240 (cited by Labcorp Genetics (formerly Invitae), Labcorp and Ambry Genetics); PubMed 12204001 (cited by 5 submitters); PubMed 12905705 (cited by Labcorp Genetics (formerly Invitae), Labcorp); PubMed 30420299 (cited by 3 submitters); PubMed 31669931 (cited by Natera, Inc. and Ambry Genetics); PubMed 34635320 (cited by Natera, Inc. and Ambry Genetics); PubMed 12655575 (cited by 3 submitters); PubMed 17476032 (cited by Ambry Genetics and Women's Health and Genetics/Laboratory Corporation of America, LabCorp); PubMed 26079787 (cited by Ambry Genetics); PubMed 27206937 (cited by Ambry Genetics and Women's Health and Genetics/Laboratory Corporation of America, LabCorp); PubMed 27055971 (cited by Women's Health and Genetics/Laboratory Corporation of America, LabCorp); PubMed 32041611 (cited by Women's Health and Genetics/Laboratory Corporation of America, LabCorp).

NM_000237.3(LPL):c.292G>A (p.Ala98Thr)

Gene: LPL (lipoprotein lipase; plus strand). Cytogenetic location: 8p21.3.
Variant type: single nucleotide variant.
Coding change: c.292G>A on transcript NM_000237.3 (MANE Select); coding-DNA position 292, G replaced by A.
Protein change: p.Ala98Thr; replaces alanine 98 with threonine.
Molecular consequence: missense variant.
Genome position (GRCh38, 1-based): chr8:19,951,811, G>A. VCF-style: chr8-19951811-G-A. GRCh37 (hg19) VCF-style: chr8-19809322-G-A.
Other names: short protein forms A98T.
Identifiers: ClinVar variation 1203042 (VCV001203042.31), dbSNP rs145657341, ClinGen allele CA4655376.